The following is an entry in ClinVar:

ClinVar aggregate classification (germline): Benign/Likely benign. Review status: criteria provided, multiple submitters, no conflicts (2 of 4 stars). 3 submissions from 3 submitters: Benign (1); Likely benign (1). 1 of the submissions does not count toward it. Last evaluated 2025-10-26.

Conditions:
Neurodegeneration with brain iron accumulation 7. Identifiers: MedGen C4693583, MONDO:0054763, OMIM 617916.
REPS1-related disorder. Also called: REPS1-related condition.

Allele frequency attached by ClinVar (database versions not stated): gnomAD 0.00112 and 0.00118; 1000 Genomes Project 0.00120; ExAC 0.00134; TOPMed 0.00145; ESP Exome Variant Server 0.00154; gnomAD exomes 0.00154 and 0.00159.
gnomAD v4.1: 2,535 of 1,604,920 alleles (0.16%); highest among the groups gnomAD compares: Middle Eastern, 0.41%; 7 homozygotes.

Submissions (3):

Labcorp Genetics (formerly Invitae), Labcorp
Classification: Benign. Last evaluated: 2025-10-26. Review status: criteria provided, single submitter. Criteria: Invitae Variant Classification Sherloc (09022015). Collection method: clinical testing. Allele origin: germline.

Genomic Research Center, Shahid Beheshti University of Medical Sciences
Classification: Likely benign for NEURODEGENERATION WITH BRAIN IRON ACCUMULATION 7. Last evaluated: 2019-04-27. Review status: criteria provided, single submitter. Criteria: ACMG Guidelines, 2015. Collection method: clinical testing. Allele origin: unknown. Affected: yes.

PreventionGenetics, part of Exact Sciences
Classification: Benign for REPS1-related condition. Last evaluated: 2019-07-16. Review status: no assertion criteria provided. Collection method: clinical testing. Allele origin: germline. Not counted in ClinVar's aggregate classification.
Comment: This variant is classified as benign based on ACMG/AMP sequence variant interpretation guidelines (Richards et al. 2015 PMID: 25741868, with internal and published modifications).

NM_001286611.2(REPS1):c.2056C>T (p.Pro686Ser)

Gene: REPS1 (RALBP1 associated Eps domain containing 1; minus strand). Cytogenetic location: 6q24.1.
Variant type: single nucleotide variant.
Coding change: c.2056C>T on transcript NM_001286611.2 (MANE Select); coding-DNA position 2056, C replaced by T.
Protein change: p.Pro686Ser; replaces proline 686 with serine.
Molecular consequence: missense variant.
Genome position (GRCh38, 1-based): chr6:138,911,287, G>A on the plus strand (C>T on the coding strand, the complement: REPS1 is on the minus strand). VCF-style: chr6-138911287-G-A. GRCh37 (hg19) VCF-style: chr6-139232424-G-A.
Other names: c.1975C>T, p.Pro659Ser (NM_001128617.3); c.1783C>T, p.Pro595Ser (NM_001286612.2); c.2053C>T, p.Pro685Ser (NM_031922.5); short protein forms P685S, P686S, P595S, P659S.
Identifiers: ClinVar variation 638403 (VCV000638403.12), dbSNP rs144226246, ClinGen allele CA4023963.